The following is an entry in ClinVar:

ClinVar aggregate classification (germline): Benign. Review status: criteria provided, multiple submitters, no conflicts (2 of 4 stars). 3 submissions from 3 submitters: Benign (2). 1 of the submissions does not count toward it. Last evaluated 2026-02-01.

Conditions:
TONSL-related disorder. Also called: TONSL-related condition.

Allele frequency attached by ClinVar (database versions not stated): 1000 Genomes Project 0.01018; gnomAD 0.01168 and 0.01265; ESP Exome Variant Server 0.01545; 1000 Genomes Project 30x 0.01046; TOPMed 0.01304.
gnomAD v4.1: 3,654 of 1,612,944 alleles (0.23%); highest among the groups gnomAD compares: African/African-American, 4.3%; 71 homozygotes.

Submissions (3):

Labcorp Genetics (formerly Invitae), Labcorp
Classification: Benign. Last evaluated: 2026-02-01. Review status: criteria provided, single submitter. Criteria: Invitae Variant Classification Sherloc (09022015). Collection method: clinical testing. Allele origin: germline.

Breakthrough Genomics
Classification: Benign. Review status: criteria provided, single submitter. Criteria: ACMG Guidelines, 2015. Collection method: not provided. Allele origin: germline. Inheritance: Autosomal recessive inheritance. Affected: yes.

PreventionGenetics, part of Exact Sciences
Classification: Benign for TONSL-related condition. Last evaluated: 2019-12-06. Review status: no assertion criteria provided. Collection method: clinical testing. Allele origin: germline. Not counted in ClinVar's aggregate classification.
Comment: This variant is classified as benign based on ACMG/AMP sequence variant interpretation guidelines (Richards et al. 2015 PMID: 25741868, with internal and published modifications).

NM_013432.5(TONSL):c.546C>T (p.Asn182=)

Gene: TONSL (tonsoku like, DNA repair protein; minus strand). Cytogenetic location: 8q24.3.
Variant type: single nucleotide variant.
Coding change: c.546C>T on transcript NM_013432.5 (MANE Select); coding-DNA position 546, C replaced by T.
Protein change: p.Asn182=; no amino-acid change (asparagine 182 retained).
Molecular consequence: synonymous variant.
Genome position (GRCh38, 1-based): chr8:144,442,709, G>A on the plus strand (C>T on the coding strand, the complement: TONSL is on the minus strand). VCF-style: chr8-144442709-G-A. GRCh37 (hg19) VCF-style: chr8-145668092-G-A.
Other names: c.546C>T (NM_013432.4).
Identifiers: ClinVar variation 1167025 (VCV001167025.10), dbSNP rs35913924, ClinGen allele CA4943625.